The following is an entry in ClinVar:

ClinVar aggregate classification (germline): Likely benign. Review status: criteria provided, multiple submitters, no conflicts (2 of 4 stars). 3 submissions from 3 submitters: Likely benign (2). 1 of the submissions does not count toward it. Last evaluated 2026-01-06.

Conditions:
Alpha-methylacyl-CoA racemase deficiency (AMACRD). Also called: AMACR deficiency. Identifiers: Orphanet 79095, MedGen C3280428, MONDO:0013681, OMIM 614307. Disease mechanism: loss of function.
AMACR-related disorder. Also called: AMACR-Related Disorders; AMACR-related condition.

Allele frequency attached by ClinVar (database versions not stated): gnomAD exomes 0.00001; gnomAD 0.00002.
gnomAD v4.1: 13 of 1,578,776 alleles (0.00082%); highest among the groups gnomAD compares: Admixed American, 0.02%; no homozygotes.

Submissions (3):

Labcorp Genetics (formerly Invitae), Labcorp
Classification: Likely benign for Alpha-methylacyl-CoA racemase deficiency. Last evaluated: 2026-01-06. Review status: criteria provided, single submitter. Criteria: Invitae Variant Classification Sherloc (09022015). Collection method: clinical testing. Allele origin: germline.

Blueprint Genetics
Classification: Likely benign. Last evaluated: 2022-06-16. Review status: criteria provided, single submitter. Criteria: ACMG Guidelines, 2015. Collection method: clinical testing. Allele origin: germline.

PreventionGenetics, part of Exact Sciences
Classification: Likely benign for AMACR-related condition. Last evaluated: 2024-01-03. Review status: no assertion criteria provided. Collection method: clinical testing. Allele origin: germline. Not counted in ClinVar's aggregate classification.
Comment: This variant is classified as likely benign based on ACMG/AMP sequence variant interpretation guidelines (Richards et al. 2015 PMID: 25741868, with internal and published modifications).

NM_014324.6(AMACR):c.183G>A (p.Arg61=)

Genes: AMACR (alpha-methylacyl-CoA racemase; minus strand), C1QTNF3-AMACR (C1QTNF3-AMACR readthrough (NMD candidate); minus strand). Cytogenetic location: 5p13.2.
Variant type: single nucleotide variant.
Coding change: c.183G>A on transcript NM_014324.6 (MANE Select); coding-DNA position 183, G replaced by A.
Protein change: p.Arg61=; no amino-acid change (arginine 61 retained).
Molecular consequence: synonymous variant.
Genome position (GRCh38, 1-based): chr5:34,007,837, C>T on the plus strand (G>A on the coding strand, the complement: AMACR is on the minus strand). VCF-style: chr5-34007837-C-T. GRCh37 (hg19) VCF-style: chr5-34007942-C-T.
Other names: c.183G>A, p.Arg61= (NM_001167595.2, NM_203382.3); c.183G>A (NM_014324.5).
Identifiers: ClinVar variation 1622955 (VCV001622955.10), dbSNP rs922245020, ClinGen allele CA116872724.